The following is an entry in ClinVar:

ClinVar aggregate classification (germline): Likely benign (1 of 4 stars; one submission).

Allele frequency attached by ClinVar (database versions not stated): 1000 Genomes Project 30x 0.00219; 1000 Genomes Project 0.00240; TOPMed 0.00453; gnomAD exomes 0.01052.
gnomAD v4.1: 3,944 of 398,582 alleles (0.99%); highest among the groups gnomAD compares: Non-Finnish European, 0.88%; 42 homozygotes.

Submission:

CeGaT Center for Human Genetics Tuebingen
Classification: Likely benign. Last evaluated: 2026-09-01. Review status: criteria provided, single submitter. Criteria: CeGaT Center For Human Genetics Tuebingen Variant Classification Criteria Version 2. Collection method: clinical testing. Allele origin: germline. Affected: yes. Observed: 59 variant alleles.
Comment: KCNQ1OT1: BS2

NM_000218.3(KCNQ1):c.1394-17830A>C

Genes: KCNQ1 (potassium voltage-gated channel subfamily Q member 1; plus strand), KCNQ1OT1 (KCNQ1 opposite strand/antisense transcript 1; minus strand). Cytogenetic location: 11p15.5.
Variant type: single nucleotide variant.
Coding change: c.1394-17830A>C on transcript NM_000218.3 (MANE Select); 17830 bases into the intron before coding-DNA position 1394, A replaced by C.
Molecular consequence: intron variant.
Genome position (GRCh38, 1-based): chr11:2,644,131, A>C. VCF-style: chr11-2644131-A-C. GRCh37 (hg19) VCF-style: chr11-2665361-A-C.
Other names: c.1124-17830A>C (NM_001406837.1); c.1298-17830A>C (NM_001406836.1); c.854-17830A>C (NM_001406838.1); c.1013-17830A>C (NM_181798.2).
Identifiers: ClinVar variation 1711284 (VCV001711284.30), dbSNP rs138670541, ClinGen allele CA216156790.